The following is an entry in ClinVar:

ClinVar aggregate classification (germline): Uncertain significance (1 of 4 stars; one submission).

Conditions:
Cardiovascular phenotype. Identifiers: MedGen CN230736.

gnomAD v4.1: 2 of 1,607,868 alleles (0.00012%); highest among the groups gnomAD compares: East Asian, 0.0022%; no homozygotes.

Submission:

Ambry Genetics
Classification: Uncertain significance for Cardiovascular phenotype. Last evaluated: 2026-08-24. Review status: criteria provided, single submitter. Criteria: Ambry Variant Classification Scheme 2023. Collection method: clinical testing. Allele origin: germline.
Comment: The c.19234+4C>T intronic variant results from a C to T substitution 4 nucleotides after coding exon 76 in the TTN gene. This exon is located in the I-band region of the N2-B isoform of the titin protein and is constitutively expressed in TTN transcripts (percent spliced in or PSI 100%). This nucleotide position is poorly conserved in available vertebrate species. In silico splice site analysis predicts that this alteration will not have any significant effect on splicing. Based on the available evidence, the clinical significance of this variant remains unclear.

NM_001267550.2(TTN):c.46429+4C>T

Genes: TTN (titin; minus strand), TTN-AS1 (TTN antisense RNA 1; plus strand). Cytogenetic location: 2q31.2.
Variant type: single nucleotide variant.
Coding change: c.46429+4C>T on transcript NM_001267550.2 (MANE Select); 4 bases into the intron after coding-DNA position 46429, C replaced by T.
Molecular consequence: intron variant. On other transcripts: non-coding transcript variant (1).
Genome position (GRCh38, 1-based): chr2:178,619,984, G>A on the plus strand (C>T on the coding strand, the complement: TTN is on the minus strand). VCF-style: chr2-178619984-G-A. GRCh37 (hg19) VCF-style: chr2-179484711-G-A.
Other names: c.19234+4C>T (NM_003319.4); c.19810+4C>T (NM_133437.4); c.19609+4C>T (NM_133432.3); c.38725+4C>T (NM_133378.4); c.41506+4C>T (NM_001256850.1).
Identifiers: ClinVar variation 5031490 (VCV005031490.1).
Genomic context (GRCh38, chr2:178,619,984, plus strand): 5'-ACATTTTGATTAACAATTTTAAAAAATTGGTAACATTAGAATTGTTTTTTCACTTAATAT[G>A]TACCTTCCACAAAAAGTCTAGCACGAGACTTCCTGTCTTCTACCCCGCAAGCATATTCAC-3'